The following is an entry in ClinVar:

NM_004211.5(SLC6A5):c.1260+1G>T

Gene: SLC6A5 (solute carrier family 6 member 5; plus strand). Cytogenetic location: 11p15.1.
Variant type: single nucleotide variant.
Coding change: c.1260+1G>T on transcript NM_004211.5 (MANE Select); the canonical splice donor site of the intron after coding-DNA position 1260, G replaced by T.
Molecular consequence: splice donor variant.
Genome position (GRCh38, 1-based): chr11:20,617,885, G>T. VCF-style: chr11-20617885-G-T. GRCh37 (hg19) VCF-style: chr11-20639431-G-T.
Other names: c.558+1G>T (NM_001318369.2).
Identifiers: ClinVar variation 1067229 (VCV001067229.7), dbSNP rs2133788446, ClinGen allele CA379916525.

ClinVar aggregate classification (germline): Likely pathogenic (1 of 4 stars; one submission).

Conditions:
Hyperekplexia 3 (HKPX3). Also called: HYPEREKPLEXIA 3, AUTOSOMAL RECESSIVE; HYPEREKPLEXIA 3, AUTOSOMAL DOMINANT. Identifiers: Orphanet 3197, MedGen C3553288, MONDO:0013827, OMIM 614618.

Submission:

Labcorp Genetics (formerly Invitae), Labcorp
Classification: Likely pathogenic for Hyperekplexia 3. Last evaluated: 2022-01-19. Review status: criteria provided, single submitter. Criteria: Invitae Variant Classification Sherloc (09022015). Collection method: clinical testing. Allele origin: germline.
Comment: This variant is not present in population databases (gnomAD no frequency). This sequence change affects a donor splice site in intron 7 of the SLC6A5 gene. It is expected to disrupt RNA splicing. Variants that disrupt the donor or acceptor splice site typically lead to a loss of protein function (PMID: 16199547), and loss-of-function variants in SLC6A5 are known to be pathogenic (PMID: 14622583, 16751771, 22700964). This variant has not been reported in the literature in individuals affected with SLC6A5-related conditions. In summary, the currently available evidence indicates that the variant is pathogenic, but additional data are needed to prove that conclusively. Therefore, this variant has been classified as Likely Pathogenic. Algorithms developed to predict the effect of sequence changes on RNA splicing suggest that this variant may disrupt the consensus splice site. ClinVar contains an entry for this variant (Variation ID: 1067229).

Literature cited by the submitters: PubMed 16199547; PubMed 14622583; PubMed 16751771; PubMed 22700964.